The following is an entry in ClinVar:

NM_001399.5(EDA):c.607C>G (p.Pro203Ala)

Gene: EDA (ectodysplasin A; plus strand). Cytogenetic location: Xq13.1.
Variant type: single nucleotide variant.
Coding change: c.607C>G on transcript NM_001399.5 (MANE Select); coding-DNA position 607, C replaced by G.
Protein change: p.Pro203Ala; replaces proline 203 with alanine.
Molecular consequence: missense variant.
Genome position (GRCh38, 1-based): chrX:70,027,937, C>G. VCF-style: chrX-70027937-C-G. GRCh37 (hg19) VCF-style: chrX-69247787-C-G.
Other names: c.607C>G, p.Pro203Ala (NM_001005609.2, NM_001005612.3); short protein forms P203A.
Identifiers: ClinVar variation 2118168 (VCV002118168.4), dbSNP rs397516671, ClinGen allele CA413448338.

ClinVar aggregate classification (germline): Uncertain significance (1 of 4 stars; one submission).

Conditions:
Hypohidrotic X-linked ectodermal dysplasia (XHED). Also called: ECTODERMAL DYSPLASIA, HYPOHIDROTIC, 1; CST SYNDROME; Anhidrotic ectodermal dysplasia X-linked; Christ Siemens Touraine syndrome; ECTODERMAL DYSPLASIA 1, HYPOHIDROTIC, X-LINKED; ECTODERMAL DYSPLASIA 1, HYPOHIDROTIC/HAIR/TOOTH TYPE, X-LINKED. Identifiers: Orphanet 181, Orphanet 238468, MedGen C0162359, MONDO:0010585, OMIM 305100.

Submission:

Labcorp Genetics (formerly Invitae), Labcorp
Classification: Uncertain significance for Hypohidrotic X-linked ectodermal dysplasia. Last evaluated: 2024-10-04. Review status: criteria provided, single submitter. Criteria: Invitae Variant Classification Sherloc (09022015). Collection method: clinical testing. Allele origin: germline.
Comment: This sequence change replaces proline, which is neutral and non-polar, with alanine, which is neutral and non-polar, at codon 203 of the EDA protein (p.Pro203Ala). This variant is not present in population databases (gnomAD no frequency). This variant has not been reported in the literature in individuals affected with EDA-related conditions. ClinVar contains an entry for this variant (Variation ID: 2118168). Invitae Evidence Modeling of protein sequence and biophysical properties (such as structural, functional, and spatial information, amino acid conservation, physicochemical variation, residue mobility, and thermodynamic stability) has been performed for this missense variant. However, the output from this modeling did not meet the statistical confidence thresholds required to predict the impact of this variant on EDA protein function. This variant disrupts the p.Pro203 amino acid residue in EDA. Other variant(s) that disrupt this residue have been determined to be pathogenic (PMID: 27305980; internal data). This suggests that this residue is clinically significant, and that variants that disrupt this residue are likely to be disease-causing. In summary, the available evidence is currently insufficient to determine the role of this variant in disease. Therefore, it has been classified as a Variant of Uncertain Significance.

Literature cited by the submitters: PubMed 27305980.